The following is an entry in ClinVar:

NM_004655.4(AXIN2):c.2081T>C (p.Leu694Pro)

Gene: AXIN2 (axin 2; minus strand). Cytogenetic location: 17q24.1.
Variant type: single nucleotide variant.
Coding change: c.2081T>C on transcript NM_004655.4 (MANE Select); coding-DNA position 2081, T replaced by C.
Protein change: p.Leu694Pro; replaces leucine 694 with proline.
Molecular consequence: missense variant.
Genome position (GRCh38, 1-based): chr17:65,536,380, A>G on the plus strand (T>C on the coding strand, the complement: AXIN2 is on the minus strand). VCF-style: chr17-65536380-A-G. GRCh37 (hg19) VCF-style: chr17-63532498-A-G.
Other names: c.1886T>C, p.Leu629Pro (NM_001363813.1); short protein forms L629P, L694P.
Identifiers: ClinVar variation 1785574 (VCV001785574.5), dbSNP rs2509401112, ClinGen allele CA400676026.

ClinVar aggregate classification (germline): Uncertain significance. Review status: criteria provided, multiple submitters, no conflicts (2 of 4 stars). 2 submissions from 2 submitters: Uncertain significance (2). Last evaluated 2023-11-14.

Conditions:
Hereditary cancer-predisposing syndrome. Also called: Neoplastic Syndromes, Hereditary; Tumor predisposition; Hereditary Cancer Syndrome; Hereditary neoplastic syndrome. Identifiers: Orphanet 140162, MedGen C0027672, MeSH D009386, MONDO:0015356.
Oligodontia-cancer predisposition syndrome. Also called: TOOTH AGENESIS-COLORECTAL CANCER SYNDROME. Identifiers: Orphanet 300576, MedGen C1837750, MONDO:0012075, OMIM 608615. Disease mechanism: loss of function.

Submissions (2):

Labcorp Genetics (formerly Invitae), Labcorp
Classification: Uncertain significance for Oligodontia-cancer predisposition syndrome. Last evaluated: 2023-11-14. Review status: criteria provided, single submitter. Criteria: Invitae Variant Classification Sherloc (09022015). Collection method: clinical testing. Allele origin: germline.
Comment: This sequence change replaces leucine, which is neutral and non-polar, with proline, which is neutral and non-polar, at codon 694 of the AXIN2 protein (p.Leu694Pro). This variant is not present in population databases (gnomAD no frequency). This variant has not been reported in the literature in individuals affected with AXIN2-related conditions. ClinVar contains an entry for this variant (Variation ID: 1785574). Advanced modeling of protein sequence and biophysical properties (such as structural, functional, and spatial information, amino acid conservation, physicochemical variation, residue mobility, and thermodynamic stability) performed at Invitae indicates that this missense variant is expected to disrupt AXIN2 protein function with a positive predictive value of 80%. In summary, the available evidence is currently insufficient to determine the role of this variant in disease. Therefore, it has been classified as a Variant of Uncertain Significance.

Ambry Genetics
Classification: Uncertain significance for Hereditary cancer-predisposing syndrome. Last evaluated: 2022-03-02. Review status: criteria provided, single submitter. Criteria: Ambry Variant Classification Scheme 2023. Collection method: clinical testing. Allele origin: germline.
Comment: The p.L694P variant (also known as c.2081T>C), located in coding exon 7 of the AXIN2 gene, results from a T to C substitution at nucleotide position 2081. The leucine at codon 694 is replaced by proline, an amino acid with similar properties. This amino acid position is conserved. In addition, this alteration is predicted to be deleterious by in silico analysis. Since supporting evidence is limited at this time, the clinical significance of this alteration remains unclear.